The following is an entry in ClinVar:

ClinVar aggregate classification (germline): Uncertain significance (1 of 4 stars; one submission).

gnomAD v4.1: 1 of 1,551,494 alleles (0.000064%); no homozygotes.

Submission:

Labcorp Genetics (formerly Invitae), Labcorp
Classification: Uncertain significance. Last evaluated: 2021-07-12. Review status: criteria provided, single submitter. Criteria: Invitae Variant Classification Sherloc (09022015). Collection method: clinical testing. Allele origin: germline.
Comment: In summary, the available evidence is currently insufficient to determine the role of this variant in disease. Therefore, it has been classified as a Variant of Uncertain Significance. Algorithms developed to predict the effect of missense changes on protein structure and function are either unavailable or do not agree on the potential impact of this missense change (SIFT: "Not Available"; PolyPhen-2: "Probably Damaging"; Align-GVGD: "Not Available"). This sequence change replaces glycine with alanine at codon 1020 of the UNC80 protein (p.Gly1020Ala). The glycine residue is weakly conserved and there is a small physicochemical difference between glycine and alanine. This variant is not present in population databases (ExAC no frequency). This variant has not been reported in the literature in individuals affected with UNC80-related conditions.

NM_001371986.1(UNC80):c.3059G>C (p.Gly1020Ala)

Gene: UNC80 (unc-80 subunit of NALCN channel complex; plus strand). Cytogenetic location: 2q34.
Variant type: single nucleotide variant.
Coding change: c.3059G>C on transcript NM_001371986.1 (MANE Select); coding-DNA position 3059, G replaced by C.
Protein change: p.Gly1020Ala; replaces glycine 1020 with alanine.
Molecular consequence: missense variant.
Genome position (GRCh38, 1-based): chr2:209,839,239, G>C. VCF-style: chr2-209839239-G-C. GRCh37 (hg19) VCF-style: chr2-210703963-G-C.
Other names: c.3059G>C, p.Gly1020Ala (NM_032504.2); c.3044G>C, p.Gly1015Ala (NM_182587.4); short protein forms G1020A, G1015A.
Identifiers: ClinVar variation 1426688 (VCV001426688.8), dbSNP rs2153829193, ClinGen allele CA350412086.